The following is an entry in ClinVar:

NM_000282.4(PCCA):c.1196G>T (p.Arg399Leu)

Gene: PCCA (propionyl-CoA carboxylase subunit alpha; plus strand). Cytogenetic location: 13q32.3.
Variant type: single nucleotide variant.
Coding change: c.1196G>T on transcript NM_000282.4 (MANE Select); coding-DNA position 1196, G replaced by T.
Protein change: p.Arg399Leu; replaces arginine 399 with leucine.
Molecular consequence: missense variant. On other transcripts: non-coding transcript variant (5), intron variant (3).
Genome position (GRCh38, 1-based): chr13:100,301,590, G>T. VCF-style: chr13-100301590-G-T. GRCh37 (hg19) VCF-style: chr13-100953844-G-T.
Other names: c.1118G>T, p.Arg373Leu (NM_001127692.3, NM_001352607.2); c.1196G>T, p.Arg399Leu (NM_001178004.2, NM_001352605.2, NM_001352609.2); c.251G>T, p.Arg84Leu (NM_001352610.2, NM_001352611.2); c.1066-1334G>T (NM_001352606.2); c.121-1334G>T (NM_001352612.2); c.988-1334G>T (NM_001352608.2); short protein forms R399L, R373L, R84L.
Identifiers: ClinVar variation 1490406 (VCV001490406.6), dbSNP rs1301904623, ClinGen allele CA388695374.
Genomic context (GRCh38, chr13:100,301,590, plus strand): 5'-GCTACCCTCTCAGGCACAAACAAGCTGATATTCGCATCAACGGCTGGGCAGTTGAATGTC[G>T]GGTTTATGCTGAGGTAAAATGAATGGTGTTGGGAGGAAGGATGGTGGTTATGTCCAGAGT-3'
Protein context (NP_000273.2, residues 389-409): IRINGWAVEC[Arg399Leu]VYAEDPYKSF

ClinVar aggregate classification (germline): Likely pathogenic (1 of 4 stars; one submission).

Conditions:
Propionic acidemia (PROP). Also called: GLYCINEMIA, KETOTIC; HYPERGLYCINEMIA WITH KETOACIDOSIS AND LEUKOPENIA; KETOTIC HYPERGLYCINEMIA. Identifiers: Orphanet 35, MedGen C0268579, MONDO:0011628, OMIM 606054, HP:0003571.

Submission:

Labcorp Genetics (formerly Invitae), Labcorp
Classification: Likely pathogenic for Propionic acidemia. Last evaluated: 2021-08-03. Review status: criteria provided, single submitter. Criteria: Invitae Variant Classification Sherloc (09022015). Collection method: clinical testing. Allele origin: germline.
Comment: This sequence change replaces arginine with leucine at codon 399 of the PCCA protein (p.Arg399Leu). The arginine residue is highly conserved and there is a moderate physicochemical difference between arginine and leucine. This variant is not present in population databases (ExAC no frequency). This variant has not been reported in the literature in individuals affected with PCCA-related conditions. Advanced modeling of protein sequence and biophysical properties (such as structural, functional, and spatial information, amino acid conservation, physicochemical variation, residue mobility, and thermodynamic stability) performed at Invitae indicates that this missense variant is expected to disrupt PCCA protein function. This variant disrupts the p.Arg399 amino acid residue in PCCA. Other variant(s) that disrupt this residue have been determined to be pathogenic (PMID: 30274917; Invitae). This suggests that this residue is clinically significant, and that variants that disrupt this residue are likely to be disease-causing. In summary, the currently available evidence indicates that the variant is pathogenic, but additional data are needed to prove that conclusively. Therefore, this variant has been classified as Likely Pathogenic.

Literature cited by the submitters: PubMed 30274917.